The following is an entry in ClinVar:

NM_001853.4(COL9A3):c.1924G>T (p.Gly642Trp)

Gene: COL9A3 (collagen type IX alpha 3 chain; plus strand). Cytogenetic location: 20q13.33.
Variant type: single nucleotide variant.
Coding change: c.1924G>T on transcript NM_001853.4 (MANE Select); coding-DNA position 1924, G replaced by T.
Protein change: p.Gly642Trp; replaces glycine 642 with tryptophan.
Molecular consequence: missense variant.
Genome position (GRCh38, 1-based): chr20:62,840,601, G>T. VCF-style: chr20-62840601-G-T. GRCh37 (hg19) VCF-style: chr20-61471953-G-T.
Other names: short protein forms G642W.
Identifiers: ClinVar variation 1065101 (VCV001065101.3), dbSNP rs758789140, ClinGen allele CA409601433.

ClinVar aggregate classification (germline): Uncertain significance (1 of 4 stars; one submission).

Conditions:
Hearing impairment. Also called: Impaired Hearing. Identifiers: MedGen C1384666, MONDO:0005365, HP:0000365.

gnomAD v4.1: 2 of 1,613,224 alleles (0.00012%); highest among the groups gnomAD compares: Non-Finnish European, 0.00017%; no homozygotes.

Submission:

Department of Otolaryngology – Head & Neck Surgery, Cochlear Implant Center
Classification: Uncertain significance for Hearing impairment. Last evaluated: 2021-04-12. Review status: criteria provided, single submitter. Criteria: ClinGen HL ACMG Specifications v1. Collection method: clinical testing. Allele origin: germline. Affected: yes.
Comment: PM2_Moderate, PP3_Supporting